The following is an entry in ClinVar:

ClinVar aggregate classification (germline): Likely benign. Review status: criteria provided, single submitter (1 of 4 stars). 2 submissions from 2 submitters: Likely benign (1). 1 of the submissions does not count toward it. Last evaluated 2025-12-30.

Conditions:
EXTL3-related disorder. Also called: EXTL3-related condition.

Allele frequency attached by ClinVar (database versions not stated): gnomAD 0.00011; gnomAD exomes 0.00011 and 0.00013; ExAC 0.00012; TOPMed 0.00012.
gnomAD v4.1: 213 of 1,614,106 alleles (0.013%); highest among the groups gnomAD compares: Non-Finnish European, 0.017%; no homozygotes.

Submissions (2):

Labcorp Genetics (formerly Invitae), Labcorp
Classification: Likely benign. Last evaluated: 2025-12-30. Review status: criteria provided, single submitter. Criteria: Invitae Variant Classification Sherloc (09022015). Collection method: clinical testing. Allele origin: germline.

PreventionGenetics, part of Exact Sciences
Classification: Likely benign for EXTL3-related condition. Last evaluated: 2023-12-12. Review status: no assertion criteria provided. Collection method: clinical testing. Allele origin: germline. Not counted in ClinVar's aggregate classification.
Comment: This variant is classified as likely benign based on ACMG/AMP sequence variant interpretation guidelines (Richards et al. 2015 PMID: 25741868, with internal and published modifications).

NM_001440.4(EXTL3):c.2514C>T (p.Phe838=)

Gene: EXTL3 (exostosin like glycosyltransferase 3; plus strand). Cytogenetic location: 8p21.1.
Variant type: single nucleotide variant.
Coding change: c.2514C>T on transcript NM_001440.4 (MANE Select); coding-DNA position 2514, C replaced by T.
Protein change: p.Phe838=; no amino-acid change (phenylalanine 838 retained).
Molecular consequence: synonymous variant. On other transcripts: non-coding transcript variant (1).
Genome position (GRCh38, 1-based): chr8:28,743,178, C>T. VCF-style: chr8-28743178-C-T. GRCh37 (hg19) VCF-style: chr8-28600695-C-T.
Identifiers: ClinVar variation 753773 (VCV000753773.9), dbSNP rs765685283, ClinGen allele CA4696443.